The following is an entry in ClinVar:

ClinVar aggregate classification (germline): Uncertain significance (1 of 4 stars; one submission).

Conditions:
Aicardi-Goutieres syndrome 7 (AGS7). Identifiers: Orphanet 51, MedGen C3888244, MONDO:0014367, OMIM 615846.
Singleton-Merten syndrome 1 (SGMRT1). Also called: Widened medullary cavities of bone, aortic calcification, abnormal dentition, and muscular weakness; Syndrome of widened medullary cavities of the metacarpals and phalanges, aortic calcification and abnormal dentition. Identifiers: Orphanet 85191, MedGen C4225427, MONDO:0024535, OMIM 182250.

Submission:

Labcorp Genetics (formerly Invitae), Labcorp
Classification: Uncertain significance for Aicardi-Goutieres syndrome 7; Singleton-Merten syndrome 1. Last evaluated: 2025-12-18. Review status: criteria provided, single submitter. Criteria: Invitae Variant Classification Sherloc (09022015). Collection method: clinical testing. Allele origin: germline.
Comment: This sequence change affects the initiator codon of the IFIH1 mRNA. This change may impact translation initiation or efficiency. The next in-frame methionine is located at codon 24. This variant is not present in population databases (gnomAD no frequency). This variant has not been reported in the literature in individuals affected with IFIH1-related conditions. In summary, the available evidence is currently insufficient to determine the role of this variant in disease. Therefore, it has been classified as a Variant of Uncertain Significance.

NM_022168.4(IFIH1):c.2T>G (p.Met1Arg)

Gene: IFIH1 (interferon induced with helicase C domain 1; minus strand). Cytogenetic location: 2q24.2.
Variant type: single nucleotide variant.
Coding change: c.2T>G on transcript NM_022168.4 (MANE Select); coding-DNA position 2, T replaced by G.
Protein change: p.Met1Arg; changes the start codon (methionine 1).
Molecular consequence: missense variant, initiator codon variant.
Genome position (GRCh38, 1-based): chr2:162,318,306, A>C on the plus strand (T>G on the coding strand, the complement: IFIH1 is on the minus strand). VCF-style: chr2-162318306-A-C. GRCh37 (hg19) VCF-style: chr2-163174816-A-C.
Other names: short protein forms M1R.
Identifiers: ClinVar variation 4786974 (VCV004786974.1).